The following is an entry in ClinVar:

ClinVar aggregate classification (germline): Uncertain significance. Review status: criteria provided, multiple submitters, no conflicts (2 of 4 stars). 2 submissions from 2 submitters: Uncertain significance (2). Last evaluated 2024-01-25.

Conditions:
Neuroblastoma, susceptibility to, 3. Also called: ALK-Related Neuroblastic Tumor Susceptibility. Identifiers: Orphanet 635, MedGen C2751681, MONDO:0013083, OMIM 613014.
Hereditary cancer-predisposing syndrome. Also called: Hereditary Cancer Syndrome; Neoplastic Syndromes, Hereditary; Tumor predisposition; Hereditary neoplastic syndrome. Identifiers: Orphanet 140162, MedGen C0027672, MeSH D009386, MONDO:0015356.

Submissions (2):

Ambry Genetics
Classification: Uncertain significance for Hereditary cancer-predisposing syndrome. Last evaluated: 2024-01-25. Review status: criteria provided, single submitter. Criteria: Ambry Variant Classification Scheme 2023. Collection method: clinical testing. Allele origin: germline.
Comment: The p.W247C variant (also known as c.741G>C), located in coding exon 2 of the ALK gene, results from a G to C substitution at nucleotide position 741. The tryptophan at codon 247 is replaced by cysteine, an amino acid with highly dissimilar properties. This amino acid position is conserved. In addition, this alteration is predicted to be deleterious by in silico analysis. Based on the available evidence, the clinical significance of this alteration remains unclear.

Labcorp Genetics (formerly Invitae), Labcorp
Classification: Uncertain significance for Neuroblastoma, susceptibility to, 3. Last evaluated: 2022-12-24. Review status: criteria provided, single submitter. Criteria: Invitae Variant Classification Sherloc (09022015). Collection method: clinical testing. Allele origin: germline.
Comment: ClinVar contains an entry for this variant (Variation ID: 1352352). This sequence change replaces tryptophan, which is neutral and slightly polar, with cysteine, which is neutral and slightly polar, at codon 247 of the ALK protein (p.Trp247Cys). This variant is not present in population databases (gnomAD no frequency). This variant has not been reported in the literature in individuals affected with ALK-related conditions. Algorithms developed to predict the effect of missense changes on protein structure and function are either unavailable or do not agree on the potential impact of this missense change (SIFT: "Deleterious"; PolyPhen-2: "Probably Damaging"; Align-GVGD: "Class C0"). In summary, the available evidence is currently insufficient to determine the role of this variant in disease. Therefore, it has been classified as a Variant of Uncertain Significance.

NM_004304.5(ALK):c.741G>C (p.Trp247Cys)

Gene: ALK (ALK receptor tyrosine kinase; minus strand). Cytogenetic location: 2p23.2.
Variant type: single nucleotide variant.
Coding change: c.741G>C on transcript NM_004304.5 (MANE Select); coding-DNA position 741, G replaced by C.
Protein change: p.Trp247Cys; replaces tryptophan 247 with cysteine.
Molecular consequence: missense variant.
Genome position (GRCh38, 1-based): chr2:29,717,624, C>G on the plus strand (G>C on the coding strand, the complement: ALK is on the minus strand). VCF-style: chr2-29717624-C-G. GRCh37 (hg19) VCF-style: chr2-29940490-C-G.
Other names: c.741G>C (NM_004304.4); short protein forms W247C.
Identifiers: ClinVar variation 1352352 (VCV001352352.9), dbSNP rs2148307275, ClinGen allele CA346587704.